The following is an entry in ClinVar:

NM_001379110.1(SLC9A6):c.1006T>C (p.Leu336=)

Gene: SLC9A6 (solute carrier family 9 member A6; plus strand). Cytogenetic location: Xq26.3.
Variant type: single nucleotide variant.
Coding change: c.1006T>C on transcript NM_001379110.1 (MANE Select); coding-DNA position 1006, T replaced by C.
Protein change: p.Leu336=; no amino-acid change (leucine 336 retained).
Molecular consequence: synonymous variant.
Genome position (GRCh38, 1-based): chrX:136,013,363, T>C. VCF-style: chrX-136013363-T-C. GRCh37 (hg19) VCF-style: chrX-135095522-T-C.
Other names: c.1162T>C, p.Leu388= (NM_001042537.2); c.1006T>C, p.Leu336= (NM_001177651.2); c.910T>C, p.Leu304= (NM_001330652.2); c.1066T>C, p.Leu356= (NM_006359.3).
Identifiers: ClinVar variation 509427 (VCV000509427.7), dbSNP rs1556618895, ClinGen allele CA518753387.

ClinVar aggregate classification (germline): Likely benign. Review status: criteria provided, multiple submitters, no conflicts (2 of 4 stars). 2 submissions from 2 submitters: Likely benign (2). Last evaluated 2023-01-28.

Conditions:
Christianson syndrome (MRXSCH). Also called: SLC9A6-Related Syndromic Mental Retardation; X-linked mental retardation, syndromic, Christianson type; INTELLECTUAL DEVELOPMENTAL DISORDER, X-LINKED, SYNDROMIC, CHRISTIANSON TYPE. Identifiers: Orphanet 85278, MedGen C2678194, MONDO:0010278, OMIM 300243.

Allele frequency attached by ClinVar (database versions not stated): gnomAD exomes below 0.00001.
gnomAD v4.1: 4 of 1,205,899 alleles (0.00033%); highest among the groups gnomAD compares: Non-Finnish European, 0.00045%; no homozygotes.

Submissions (2):

Labcorp Genetics (formerly Invitae), Labcorp
Classification: Likely benign for Christianson syndrome. Last evaluated: 2023-01-28. Review status: criteria provided, single submitter. Criteria: Invitae Variant Classification Sherloc (09022015). Collection method: clinical testing. Allele origin: germline.

GeneDx
Classification: Likely benign. Last evaluated: 2017-05-04. Review status: criteria provided, single submitter. Criteria: GeneDx Variant Classification (06012015). Collection method: clinical testing. Allele origin: germline. Affected: yes.
Comment: This variant is considered likely benign or benign based on one or more of the following criteria: it is a conservative change, it occurs at a poorly conserved position in the protein, it is predicted to be benign by multiple in silico algorithms, and/or has population frequency not consistent with disease.